The following is an entry in ClinVar:

ClinVar aggregate classification (germline): Uncertain significance (1 of 4 stars; one submission).

Conditions:
Multiple endocrine neoplasia, type 2 (MEN2). Identifiers: Orphanet 653, MedGen C4048306, MONDO:0019003. Disease mechanism: gain of function.

Submission:

Labcorp Genetics (formerly Invitae), Labcorp
Classification: Uncertain significance for Multiple endocrine neoplasia, type 2. Last evaluated: 2025-03-03. Review status: criteria provided, single submitter. Criteria: Invitae Variant Classification Sherloc (09022015). Collection method: clinical testing. Allele origin: germline.
Comment: This sequence change replaces alanine, which is neutral and non-polar, with serine, which is neutral and polar, at codon 604 of the RET protein (p.Ala604Ser). This variant is not present in population databases (gnomAD no frequency). This missense change has been observed in individual(s) with medullary thyroid cancer (PMID: 33827484). An algorithm developed to predict the effect of missense changes on protein structure and function (PolyPhen-2) suggests that this variant is likely to be tolerated. In summary, the available evidence is currently insufficient to determine the role of this variant in disease. Therefore, it has been classified as a Variant of Uncertain Significance.

Literature cited by the submitters: PubMed 33827484.

NM_020975.6(RET):c.1810G>T (p.Ala604Ser)

Gene: RET (ret proto-oncogene; plus strand). Cytogenetic location: 10q11.21.
Variant type: single nucleotide variant.
Coding change: c.1810G>T on transcript NM_020975.6 (MANE Select); coding-DNA position 1810, G replaced by T.
Protein change: p.Ala604Ser; replaces alanine 604 with serine.
Molecular consequence: missense variant. On other transcripts: intron variant (2).
Genome position (GRCh38, 1-based): chr10:43,113,606, G>T. VCF-style: chr10-43113606-G-T. GRCh37 (hg19) VCF-style: chr10-43609054-G-T.
Other names: c.1048G>T, p.Ala350Ser (NM_001355216.2); c.1810G>T, p.Ala604Ser (NM_001406743.1, NM_001406744.1, NM_001406759.1 and 4 more transcripts); c.1681G>T, p.Ala561Ser (NM_001406761.1, NM_001406762.1, NM_001406764.1 and 1 more transcripts); c.1522G>T, p.Ala508Ser (NM_001406766.1, NM_001406767.1, NM_001406770.1); c.1414G>T, p.Ala472Ser (NM_001406769.1, NM_001406772.1); c.1372G>T, p.Ala458Ser (NM_001406771.1, NM_001406773.1); c.820G>T, p.Ala274Ser (NM_001406784.1); c.784G>T, p.Ala262Ser (NM_001406786.1, NM_001406783.1); and 7 more; short protein forms A429S, A508S, A604S, A274S, A472S, A561S, A350S, A362S.
Identifiers: ClinVar variation 3660146 (VCV003660146.2).